The following is an entry in ClinVar:

ClinVar aggregate classification (germline): Uncertain significance. Review status: criteria provided, multiple submitters, no conflicts (2 of 4 stars). 2 submissions from 2 submitters: Uncertain significance (2). Last evaluated 2024-11-01.

Conditions:
Lethal congenital glycogen storage disease of heart. Also called: GLYCOGEN STORAGE DISEASE OF HEART; PHOSPHORYLASE KINASE DEFICIENCY OF HEART. Identifiers: Orphanet 439854, MedGen C1849813, MONDO:0009867, OMIM 261740.

Submissions (2):

CeGaT Center for Human Genetics Tuebingen
Classification: Uncertain significance. Last evaluated: 2024-11-01. Review status: criteria provided, single submitter. Criteria: CeGaT Center For Human Genetics Tuebingen Variant Classification Criteria Version 2. Collection method: clinical testing. Allele origin: germline. Affected: yes. Observed: 1 variant allele.
Comment: PRKAG2: PM2, PM5, PP3

Labcorp Genetics (formerly Invitae), Labcorp
Classification: Uncertain significance for Lethal congenital glycogen storage disease of heart. Last evaluated: 2024-07-20. Review status: criteria provided, single submitter. Criteria: Invitae Variant Classification Sherloc (09022015). Collection method: clinical testing. Allele origin: germline.
Comment: This sequence change replaces asparagine, which is neutral and polar, with aspartic acid, which is acidic and polar, at codon 488 of the PRKAG2 protein (p.Asn488Asp). This variant is not present in population databases (gnomAD no frequency). This variant has not been reported in the literature in individuals affected with PRKAG2-related conditions. Advanced modeling of protein sequence and biophysical properties (such as structural, functional, and spatial information, amino acid conservation, physicochemical variation, residue mobility, and thermodynamic stability) has been performed at Invitae for this missense variant, however the output from this modeling did not meet the statistical confidence thresholds required to predict the impact of this variant on PRKAG2 protein function. This variant disrupts the p.Asn488 amino acid residue in PRKAG2. Other variant(s) that disrupt this residue have been determined to be pathogenic (PMID: 11827995). This suggests that this residue is clinically significant, and that variants that disrupt this residue are likely to be disease-causing. In summary, the available evidence is currently insufficient to determine the role of this variant in disease. Therefore, it has been classified as a Variant of Uncertain Significance.

Literature cited by the submitters: PubMed 11827995 (cited by Labcorp Genetics (formerly Invitae), Labcorp).

NM_016203.4(PRKAG2):c.1462A>G (p.Asn488Asp)

Gene: PRKAG2 (protein kinase AMP-activated non-catalytic subunit gamma 2; minus strand). Cytogenetic location: 7q36.1.
Variant type: single nucleotide variant.
Coding change: c.1462A>G on transcript NM_016203.4 (MANE Select); coding-DNA position 1462, A replaced by G.
Protein change: p.Asn488Asp; replaces asparagine 488 with aspartic acid.
Molecular consequence: missense variant.
Genome position (GRCh38, 1-based): chr7:151,564,200, T>C on the plus strand (A>G on the coding strand, the complement: PRKAG2 is on the minus strand). VCF-style: chr7-151564200-T-C. GRCh37 (hg19) VCF-style: chr7-151261286-T-C.
Other names: c.1090A>G, p.Asn364Asp (NM_001407028.1, NM_001363698.2); c.1087A>G, p.Asn363Asp (NM_001407029.1, NM_001304527.2); c.1174A>G, p.Asn392Asp (NM_001407030.1); c.1171A>G, p.Asn391Asp (NM_001407031.1); c.1144A>G, p.Asn382Asp (NM_001407032.1); c.1138A>G, p.Asn380Asp (NM_001407033.1); c.739A>G, p.Asn247Asp (NM_001407034.1, NM_001407035.1, NM_001304531.2 and 1 more transcripts); c.736A>G, p.Asn246Asp (NM_001407036.1, NM_001407039.1, NM_001407040.1); and 6 more; short protein forms N246D, N247D, N263D, N267D, N363D, N364D, N380D, N382D.
Identifiers: ClinVar variation 3389120 (VCV003389120.16).